The following is an entry in ClinVar:

ClinVar aggregate classification (germline): Benign. Review status: criteria provided, multiple submitters, no conflicts (2 of 4 stars). 4 submissions from 4 submitters: Benign (2). 2 of the submissions do not count toward it. Last evaluated 2026-02-01.

Conditions:
RTTN-related disorder. Also called: RTTN-related condition.

Allele frequency attached by ClinVar (database versions not stated): gnomAD exomes 0.00047 and 0.00134; ExAC 0.00159; 1000 Genomes Project 30x 0.00453; gnomAD 0.00458 and 0.00496; 1000 Genomes Project 0.00519; TOPMed 0.00524; ESP Exome Variant Server 0.00571.
gnomAD v4.1: 1,420 of 1,603,916 alleles (0.089%); highest among the groups gnomAD compares: African/African-American, 1.6%; 15 homozygotes.

Submissions (4):

Labcorp Genetics (formerly Invitae), Labcorp
Classification: Benign. Last evaluated: 2026-02-01. Review status: criteria provided, single submitter. Criteria: Invitae Variant Classification Sherloc (09022015). Collection method: clinical testing. Allele origin: germline.

GeneDx
Classification: Benign. Last evaluated: 2016-10-06. Review status: criteria provided, single submitter. Criteria: GeneDx Variant Classification (06012015). Collection method: clinical testing. Allele origin: germline. Affected: yes.
Comment: This variant is considered likely benign or benign based on one or more of the following criteria: it is a conservative change, it occurs at a poorly conserved position in the protein, it is predicted to be benign by multiple in silico algorithms, and/or has population frequency not consistent with disease.

PreventionGenetics, part of Exact Sciences
Classification: Benign for RTTN-related condition. Last evaluated: 2019-07-18. Review status: no assertion criteria provided. Collection method: clinical testing. Allele origin: germline. Not counted in ClinVar's aggregate classification.
Comment: This variant is classified as benign based on ACMG/AMP sequence variant interpretation guidelines (Richards et al. 2015 PMID: 25741868, with internal and published modifications).

Genetic Services Laboratory, University of Chicago
Classification: Likely benign for AllHighlyPenetrant. Review status: no assertion criteria provided. Collection method: clinical testing. Allele origin: germline. Inheritance: Autosomal recessive inheritance. Not counted in ClinVar's aggregate classification.
Comment: Likely benign based on allele frequency in 1000 Genomes Project or ESP global frequency and its presence in a patient with a rare or unrelated disease phenotype. NOT Sanger confirmed.

NM_173630.4(RTTN):c.227C>T (p.Pro76Leu)

Gene: RTTN (rotatin; minus strand). Cytogenetic location: 18q22.2.
Variant type: single nucleotide variant.
Coding change: c.227C>T on transcript NM_173630.4 (MANE Select); coding-DNA position 227, C replaced by T.
Protein change: p.Pro76Leu; replaces proline 76 with leucine.
Molecular consequence: missense variant. On other transcripts: 5 prime UTR variant (1).
Genome position (GRCh38, 1-based): chr18:70,204,256, G>A on the plus strand (C>T on the coding strand, the complement: RTTN is on the minus strand). VCF-style: chr18-70204256-G-A. GRCh37 (hg19) VCF-style: chr18-67871492-G-A.
Other names: c.-2327C>T (NM_001318520.2); short protein forms P76L.
Identifiers: ClinVar variation 130170 (VCV000130170.18), dbSNP rs114765225, ClinGen allele CA154993.